The following continues an entry in ClinVar:

NM_007194.4(CHEK2):c.479T>G (p.Ile160Arg)

Gene: CHEK2. ClinVar aggregate classification (germline): Conflicting classifications of pathogenicity. Likely pathogenic (1); Uncertain significance (12).

Submissions 10 to 13 of 13:

St. Jude Molecular Pathology, St. Jude Children's Research Hospital
Classification: Uncertain significance for Predisposition to cancer. Last evaluated: 2023-11-13. Review status: criteria provided, single submitter. Criteria: St. Jude Assertion Criteria 2020. Collection method: clinical testing. Allele origin: germline.
Comment: The CHEK2 c.479T>G (p.Ile160Arg) missense change has a maximum subpopulation frequency of 0.012% in gnomAD v2.1.1. The in silico tool REVEL predicts a deleterious effect on protein function, and an in vivo yeast-based growth assay indicated that this variant behaved as non-functional (PMID: 30851065). This variant has been reported in an individual diagnosed with breast cancer (PMID: 31206626). It is absent in a database of women older than 70 years of age who have never had cancer (FLOSSIES).In summary, the evidence currently available is insufficient to determine the clinical significance of this variant. It has therefore been classified as of uncertain significance.

Institute for Genomic Medicine (IGM) Clinical Laboratory, Nationwide Children's Hospital
Classification: Uncertain significance for CHEK2-related cancer predisposition. Last evaluated: 2022-07-06. Review status: criteria provided, single submitter. Criteria: ACMG Guidelines, 2015. Collection method: clinical testing. Allele origin: germline.
Comment: Well-established functional studies have demonstrated this variant to have a damaging effect on protein function or splicing (ACMG/AMP: PS3_Moderate; PMID:30851065). This variant is predicted to alter protein function or structure, or disrupt splicing by multiple in silico tools (ACMG/AMP: PP3).

Color Diagnostics, LLC DBA Color Health
Classification: Uncertain significance for Hereditary cancer-predisposing syndrome. Last evaluated: 2021-06-02. Review status: criteria provided, single submitter. Criteria: ACMG Guidelines, 2015. Collection method: clinical testing. Allele origin: germline.
Comment: This missense variant replaces isoleucine with arginine at codon 160 of the CHEK2 protein. Computational prediction suggests that this variant may have deleterious impact on protein structure and function (internally defined REVEL score threshold >= 0.7, PMID: 27666373). Experimental studies have shown this variant to be deleterious in yeast-based DNA damage repair assays (PMID 30851065). This variant has been reported in individuals affected with breast cancer in the literature (PMID: 25629968). This variant has been identified in 4/251410 chromosomes in the general population by the Genome Aggregation Database (gnomAD). The available evidence is insufficient to determine the role of this variant in disease conclusively. Therefore, this variant is classified as a Variant of Uncertain Significance.

Baylor Genetics
Classification: Uncertain significance for CHEK2-related cancer predisposition. Last evaluated: 2020-01-07. Review status: criteria provided, single submitter. Criteria: ACMG Guidelines, 2015. Collection method: clinical testing. Allele origin: unknown. Affected: yes. Study: CSER-TexasKidsCanSeq.
Comment: This variant was determined to be of uncertain significance according to ACMG Guidelines, 2015 [PMID:25741868].

Literature cited by the submitters: PubMed 37449874 (cited by 3 submitters); PubMed 25085752 (cited by Myriad Genetics, Inc.); PubMed 31206626 (cited by 3 submitters); PubMed 30851065 (cited by 4 submitters); PubMed 37448974 (cited by Labcorp Genetics (formerly Invitae), Labcorp).